The following is an entry in ClinVar:

ClinVar aggregate classification (germline): Benign. Review status: criteria provided, multiple submitters, no conflicts (2 of 4 stars). 3 submissions from 3 submitters: Benign (3). Last evaluated 2026-01-24.

Allele frequency attached by ClinVar (database versions not stated): gnomAD exomes 0.00045 and 0.00114; ExAC 0.00226; ESP Exome Variant Server 0.00455; gnomAD 0.00461 and 0.00494; TOPMed 0.00519; 1000 Genomes Project 0.00799; 1000 Genomes Project 30x 0.00828.
gnomAD v4.1: 1,383 of 1,602,858 alleles (0.086%); highest among the groups gnomAD compares: African/African-American, 1.6%; 13 homozygotes.

Submissions (3):

Labcorp Genetics (formerly Invitae), Labcorp
Classification: Benign. Last evaluated: 2026-01-24. Review status: criteria provided, single submitter. Criteria: Invitae Variant Classification Sherloc (09022015). Collection method: clinical testing. Allele origin: germline.

GeneDx
Classification: Benign. Last evaluated: 2017-10-24. Review status: criteria provided, single submitter. Criteria: GeneDx Variant Classification (06012015). Collection method: clinical testing. Allele origin: germline. Affected: yes.
Comment: This variant is considered likely benign or benign based on one or more of the following criteria: it is a conservative change, it occurs at a poorly conserved position in the protein, it is predicted to be benign by multiple in silico algorithms, and/or has population frequency not consistent with disease.

Breakthrough Genomics
Classification: Benign. Review status: criteria provided, single submitter. Criteria: ACMG Guidelines, 2015. Collection method: not provided. Allele origin: germline. Inheritance: Autosomal dominant inheritance. Affected: yes.

NM_000142.5(FGFR3):c.616-15C>T

Gene: FGFR3 (fibroblast growth factor receptor 3; plus strand). Cytogenetic location: 4p16.3.
Variant type: single nucleotide variant.
Coding change: c.616-15C>T on transcript NM_000142.5 (MANE Select); 15 bases into the intron before coding-DNA position 616, C replaced by T.
Molecular consequence: intron variant.
Genome position (GRCh38, 1-based): chr4:1,801,605, C>T. VCF-style: chr4-1801605-C-T. GRCh37 (hg19) VCF-style: chr4-1803332-C-T.
Other names: c.616-15C>T (NM_001163213.2, NM_001354809.2, NM_001354810.2 and 1 more transcripts).
Identifiers: ClinVar variation 516641 (VCV000516641.10), dbSNP rs17883683, ClinGen allele CA2809898.